The following is an entry in ClinVar:

ClinVar aggregate classification (germline): Conflicting classifications of pathogenicity. Review status: criteria provided, conflicting classifications (1 of 4 stars). 3 submissions from 3 submitters: Uncertain significance (2); Likely benign (1). Last evaluated 2026-05-04.

Conditions:
Multiple self-healing squamous epithelioma (MSSE). Also called: MULTIPLE SELF-HEALING SQUAMOUS EPITHELIOMA, SUSCEPTIBILITY TO. Identifiers: Orphanet 65748, MedGen C0546476, MONDO:0007566, OMIM 132800.
Loeys-Dietz syndrome 1 (LDS1). Also called: TGFBR1-Related Loeys-Dietz Syndrome; FURLONG SYNDROME; AORTIC ANEURYSM, FAMILIAL THORACIC 5. Identifiers: Orphanet 60030, MedGen C4551955, MONDO:0012212, OMIM 609192.
Familial thoracic aortic aneurysm and aortic dissection (TAAD). Also called: Thoracic aortic aneurysms and dissections. Identifiers: Orphanet 91387, MedGen C4707243, MONDO:0019625.

Submissions (3):

Ambry Genetics
Classification: Likely benign for Familial thoracic aortic aneurysm and aortic dissection. Last evaluated: 2026-05-04. Review status: criteria provided, single submitter. Criteria: Ambry Variant Classification Scheme 2023. Collection method: clinical testing. Allele origin: germline.

Labcorp Genetics (formerly Invitae), Labcorp
Classification: Uncertain significance for Familial thoracic aortic aneurysm and aortic dissection. Last evaluated: 2025-12-14. Review status: criteria provided, single submitter. Criteria: Invitae Variant Classification Sherloc (09022015). Collection method: clinical testing. Allele origin: germline.
Comment: This variant, c.67_78dup, results in the insertion of 4 amino acid(s) of the TGFBR1 protein (p.Ala23_Ala26dup), but otherwise preserves the integrity of the reading frame. The frequency data for this variant in the population databases is considered unreliable, as metrics indicate insufficient coverage at this position in the gnomAD database. This variant has not been reported in the literature in individuals affected with TGFBR1-related conditions. ClinVar contains an entry for this variant (Variation ID: 543893). Experimental studies and prediction algorithms are not available or were not evaluated, and the functional significance of this variant is currently unknown. In summary, the available evidence is currently insufficient to determine the role of this variant in disease. Therefore, it has been classified as a Variant of Uncertain Significance.

Fulgent Genetics
Classification: Uncertain significance for Multiple self-healing squamous epithelioma; Loeys-Dietz syndrome 1. Last evaluated: 2021-11-22. Review status: criteria provided, single submitter. Criteria: ACMG Guidelines, 2015. Collection method: clinical testing. Allele origin: unknown.

NM_004612.4(TGFBR1):c.52GCG[13] (p.Ala23_Ala26dup)

Gene: TGFBR1 (transforming growth factor beta receptor 1; plus strand). Cytogenetic location: 9q22.33.
Variant type: Microsatellite.
Coding change: c.52GCG[13] on transcript NM_004612.4 (MANE Select); 13 copies in a row of the 3-base unit GCG starting at c.52; the reference has nine copies in a row; four copies, 12 bases duplicated; also written c.67_78dup.
Protein change: p.Ala23_Ala26dup.
Molecular consequence: inframe insertion.
Genome position (GRCh38, 1-based): chr9:99,105,272-99,105,283, GCGGCGGCGGCG duplicated; duplicating any 12 consecutive bases within chr9:99,105,256-99,105,283 gives the same sequence; the position shown is the placement nearest the transcript's 3' end. VCF-style (leftmost placement, unchanged base first): chr9-99105255-T-TGGCGGCGGCGGC. GRCh37 (hg19) VCF-style: chr9-101867537-T-TGGCGGCGGCGGC.
Other names: c.67_78dupGCGGCGGCGGCG (NM_004612.2); c.52GCG[13], p.Ala23_Ala26dup (NM_001130916.3, NM_001306210.2); c.67_78dup (NM_004612.4).
Identifiers: ClinVar variation 543893 (VCV000543893.11), dbSNP rs11466445, ClinGen allele CA658797253.